The following is an entry in ClinVar:

ClinVar aggregate classification (germline): Uncertain significance (1 of 4 stars; one submission).

Submission:

Labcorp Genetics (formerly Invitae), Labcorp
Classification: Uncertain significance. Last evaluated: 2023-08-10. Review status: criteria provided, single submitter. Criteria: Invitae Variant Classification Sherloc (09022015). Collection method: clinical testing. Allele origin: germline.
Comment: This sequence change replaces glycine, which is neutral and non-polar, with alanine, which is neutral and non-polar, at codon 91 of the RAX2 protein (p.Gly91Ala). In summary, the available evidence is currently insufficient to determine the role of this variant in disease. Therefore, it has been classified as a Variant of Uncertain Significance. An algorithm developed to predict the effect of missense changes on protein structure and function (PolyPhen-2) suggests that this variant is likely to be disruptive. ClinVar contains an entry for this variant (Variation ID: 1376395). This variant has not been reported in the literature in individuals affected with RAX2-related conditions. This variant is not present in population databases (gnomAD no frequency).

NM_001319074.4(RAX2):c.272G>C (p.Gly91Ala)

Gene: RAX2 (retina and anterior neural fold homeobox 2; minus strand). Cytogenetic location: 19p13.3.
Variant type: single nucleotide variant.
Coding change: c.272G>C on transcript NM_001319074.4 (MANE Select); coding-DNA position 272, G replaced by C.
Protein change: p.Gly91Ala; replaces glycine 91 with alanine.
Molecular consequence: missense variant.
Genome position (GRCh38, 1-based): chr19:3,770,904, C>G on the plus strand (G>C on the coding strand, the complement: RAX2 is on the minus strand). VCF-style: chr19-3770904-C-G. GRCh37 (hg19) VCF-style: chr19-3770902-C-G.
Other names: c.272G>C, p.Gly91Ala (NM_032753.4); short protein forms G91A.
Identifiers: ClinVar variation 1376395 (VCV001376395.6), dbSNP rs2145736454, ClinGen allele CA403374992.
Genomic context (GRCh38, chr19:3,770,904, plus strand): 5'-GGGCGGGCGAACGGCAGCGCTGGGGCCTCGGGGAGTCTCGGAGCTGCCACGGCACCCGAG[C>G]CTGACTCCAGCCGCTCCTGGCGGCGCCACTTGGCCCGGCGGTTCTGGAACCACACCTGGA-3'
Protein context (NP_001306003.2, residues 81-101): KWRRQERLES[Gly91Ala]SGAVAAPRLP